The following is an entry in ClinVar:

NM_014956.5(CEP164):c.2066+4A>G

Gene: CEP164 (centrosomal protein 164; plus strand). Cytogenetic location: 11q23.3.
Variant type: single nucleotide variant.
Coding change: c.2066+4A>G on transcript NM_014956.5 (MANE Select); 4 bases into the intron after coding-DNA position 2066, A replaced by G.
Molecular consequence: intron variant.
Genome position (GRCh38, 1-based): chr11:117,390,912, A>G. VCF-style: chr11-117390912-A-G. GRCh37 (hg19) VCF-style: chr11-117261628-A-G.
Other names: c.2075+4A>G (NM_001271933.2); c.2066+4A>G (NM_014956.4).
Identifiers: ClinVar variation 1496207 (VCV001496207.8), dbSNP rs577854690, ClinGen allele CA6294935.

ClinVar aggregate classification (germline): Conflicting classifications of pathogenicity. Review status: criteria provided, conflicting classifications (1 of 4 stars). 3 submissions from 3 submitters: Uncertain significance (2); Likely benign (1). Last evaluated 2025-07-14.

Conditions:
CEP164-related disorder. Also called: CEP164-related condition.
Nephronophthisis 15 (NPHP15). Identifiers: Orphanet 3156, MedGen C3541853, MONDO:0013917, OMIM 614845.

Allele frequency attached by ClinVar (database versions not stated): gnomAD 0.00001; gnomAD exomes 0.00001 and 0.00004; ExAC 0.00004; 1000 Genomes Project 30x 0.00016; 1000 Genomes Project 0.00020.
gnomAD v4.1: 21 of 1,613,836 alleles (0.0013%); highest among the groups gnomAD compares: South Asian, 0.023%; no homozygotes.

Submissions (3):

Labcorp Genetics (formerly Invitae), Labcorp
Classification: Uncertain significance for Nephronophthisis 15. Last evaluated: 2025-07-14. Review status: criteria provided, single submitter. Criteria: Invitae Variant Classification Sherloc (09022015). Collection method: clinical testing. Allele origin: germline.
Comment: This sequence change falls in intron 16 of the CEP164 gene. It does not directly change the encoded amino acid sequence of the CEP164 protein. It affects a nucleotide within the consensus splice site. This variant is present in population databases (rs577854690, gnomAD 0.03%). This variant has not been reported in the literature in individuals affected with CEP164-related conditions. ClinVar contains an entry for this variant (Variation ID: 1496207). Variants that disrupt the consensus splice site are a relatively common cause of aberrant splicing (PMID: 17576681, 9536098). Algorithms developed to predict the effect of sequence changes on RNA splicing suggest that this variant is not likely to affect RNA splicing. In summary, the available evidence is currently insufficient to determine the role of this variant in disease. Therefore, it has been classified as a Variant of Uncertain Significance.

PreventionGenetics, part of Exact Sciences
Classification: Likely benign for CEP164-related condition. Last evaluated: 2025-02-19. Review status: criteria provided, single submitter. Criteria: ACMG Guidelines, 2015. Collection method: clinical testing. Allele origin: germline.
Comment: This variant is classified as likely benign based on ACMG/AMP sequence variant interpretation guidelines (Richards et al. 2015 PMID: 25741868, with internal and published modifications).

Blueprint Genetics
Classification: Uncertain significance. Last evaluated: 2020-10-27. Review status: criteria provided, single submitter. Criteria: ACMG Guidelines, 2015. Collection method: clinical testing. Allele origin: germline.

Literature cited by the submitters: PubMed 17576681 (cited by Labcorp Genetics (formerly Invitae), Labcorp); PubMed 9536098 (cited by Labcorp Genetics (formerly Invitae), Labcorp).